The following is an entry in ClinVar:

ClinVar aggregate classification (germline): Uncertain significance (1 of 4 stars; one submission).

Allele frequency attached by ClinVar (database versions not stated): gnomAD exomes 0.00002 and 0.00001; gnomAD 0.00003; TOPMed 0.00005.
gnomAD v4.1: 16 of 718,714 alleles (0.0022%); highest among the groups gnomAD compares: Non-Finnish European, 0.0036%; no homozygotes.

Submission:

GeneDx
Classification: Uncertain significance. Last evaluated: 2022-06-13. Review status: criteria provided, single submitter. Criteria: GeneDx Variant Classification Process June 2021. Collection method: clinical testing. Allele origin: germline. Affected: yes.
Comment: Predicted to destroy the canonical splice acceptor site for intron 1, but adjacent exon is non-coding; Has not been previously published as pathogenic or benign to our knowledge; Reported using an alternate transcript of the gene

NM_080425.4(GNAS):c.2068+219A>G

Gene: GNAS (GNAS complex locus; plus strand). Cytogenetic location: 20q13.32.
Variant type: single nucleotide variant.
Coding change: c.2068+219A>G on transcript NM_080425.4 (MANE Plus Clinical); 219 bases into the intron after coding-DNA position 2068, A replaced by G.
Molecular consequence: intron variant. On other transcripts: splice acceptor variant (1).
Genome position (GRCh38, 1-based): chr20:58,855,552, A>G. VCF-style: chr20-58855552-A-G. GRCh37 (hg19) VCF-style: chr20-57430607-A-G.
Other names: c.*42+14666A>G (NM_016592.5); c.43+14666A>G (NM_001410912.1); c.-39+13677A>G (NM_001309861.2); c.*1881+219A>G (NM_001077490.3); c.2068+219A>G (NM_001410913.1); c.*1-2A>G (NM_001309883.1).
Identifiers: ClinVar variation 1320759 (VCV001320759.4), dbSNP rs756257959, ClinGen allele CA316343400.